The following is an entry in ClinVar:

ClinVar aggregate classification (germline): Benign. Review status: criteria provided, multiple submitters, no conflicts (2 of 4 stars). 13 submissions from 9 submitters: Benign (12). 1 of the submissions does not count toward it. Last evaluated 2026-02-02.

Conditions:
Congenital myasthenic syndrome 16. Identifiers: Orphanet 590, MedGen C3280112, MONDO:0013620, OMIM 614198.
Paramyotonia congenita of Von Eulenburg. Also called: PARALYSIS PERIODICA PARAMYOTONICA; Paramyotonia Congenita; Eulenburg disease; Myotonia congenita intermittens; Von Eulenburg paramyotonia congenita. Identifiers: Orphanet 684, MedGen C0221055, MONDO:0008195, OMIM 168300. Disease mechanism: loss of function.
Hyperkalemic periodic paralysis. Also called: Familial hyperkalemic periodic paralysis; Gamstorp disease. Identifiers: Orphanet 682, MedGen C0238357, MONDO:0008224, OMIM 170500, HP:0007215.
Hypokalemic periodic paralysis, type 2 (HOKPP2). Identifiers: Orphanet 681, MedGen C2750061, MONDO:0013234, OMIM 613345.
Potassium-aggravated myotonia. Also called: MYOTONIA CONGENITA, ACETAZOLAMIDE-RESPONSIVE; MYOTONIA CONGENITA, ATYPICAL; SODIUM CHANNEL MUSCLE DISEASE; Myotonia congenita, atypical, acetazolamide-responsive. Identifiers: Orphanet 612, Orphanet 99734, Orphanet 99735, Orphanet 99736, MedGen C2931826, MONDO:0018959, OMIM 608390.

Allele frequency attached by ClinVar (database versions not stated): gnomAD 0.03818 and 0.03771; ESP Exome Variant Server 0.03596; gnomAD exomes 0.01748 and 0.02196; TOPMed 0.04077; 1000 Genomes Project 0.05351; ExAC 0.03956; 1000 Genomes Project 30x 0.05309.
gnomAD v4.1: 31,262 of 1,597,992 alleles (2%); highest among the groups gnomAD compares: African/African-American, 9.3%; 567 homozygotes.

Submissions (13):

Labcorp Genetics (formerly Invitae), Labcorp
Classification: Benign for Hyperkalemic periodic paralysis. Last evaluated: 2026-02-02. Review status: criteria provided, single submitter. Criteria: Invitae Variant Classification Sherloc (09022015). Collection method: clinical testing. Allele origin: germline.

Athena Diagnostics
Classification: Benign. Last evaluated: 2025-08-28. Review status: criteria provided, single submitter. Criteria: Athena Diagnostics Criteria. Collection method: clinical testing. Allele origin: unknown.
Comment: The frequency of this variant in the general population is higher than would generally be expected for pathogenic variants in this gene.

Mayo Clinic Laboratories, Mayo Clinic
Classification: Benign. Last evaluated: 2021-08-13. Review status: criteria provided, single submitter. Criteria: ACMG Guidelines, 2015. Collection method: clinical testing. Allele origin: germline. Observed: 51 variant alleles.

Illumina Laboratory Services, Illumina
Classification: Benign for Potassium-aggravated myotonia. Last evaluated: 2018-01-13. Review status: criteria provided, single submitter. Criteria: ICSL Variant Classification Criteria 13 December 2019. Collection method: clinical testing. Allele origin: germline.
Comment: This variant was observed in the ICSL laboratory as part of a predisposition screen in an ostensibly healthy population. It had not been previously curated by ICSL or reported in the Human Gene Mutation Database (HGMD: prior to June 1st, 2018), and was therefore a candidate for classification through an automated scoring system. Utilizing variant allele frequency, disease prevalence and penetrance estimates, and inheritance mode, an automated score was calculated to assess if this variant is too frequent to cause the disease. Based on the score and internal cut-off values, a variant classified as benign is not then subjected to further curation. The score for this variant resulted in a classification of benign for this disease.

Illumina Laboratory Services, Illumina
Classification: Benign for Hyperkalemic periodic paralysis. Last evaluated: 2018-01-13. Review status: criteria provided, single submitter. Criteria: ICSL Variant Classification Criteria 13 December 2019. Collection method: clinical testing. Allele origin: germline.
Comment: the same text as in the submission from Illumina Laboratory Services, Illumina above.

Illumina Laboratory Services, Illumina
Classification: Benign for Paramyotonia congenita of Von Eulenburg. Last evaluated: 2018-01-13. Review status: criteria provided, single submitter. Criteria: ICSL Variant Classification Criteria 13 December 2019. Collection method: clinical testing. Allele origin: germline.
Comment: the same text as in the submission from Illumina Laboratory Services, Illumina above.

Illumina Laboratory Services, Illumina
Classification: Benign for Hypokalemic periodic paralysis, type 2. Last evaluated: 2018-01-13. Review status: criteria provided, single submitter. Criteria: ICSL Variant Classification Criteria 13 December 2019. Collection method: clinical testing. Allele origin: germline.
Comment: the same text as in the submission from Illumina Laboratory Services, Illumina above.

Illumina Laboratory Services, Illumina
Classification: Benign for Congenital myasthenic syndrome 16. Last evaluated: 2018-01-13. Review status: criteria provided, single submitter. Criteria: ICSL Variant Classification Criteria 13 December 2019. Collection method: clinical testing. Allele origin: germline.
Comment: the same text as in the submission from Illumina Laboratory Services, Illumina above.

GeneDx
Classification: Benign. Last evaluated: 2016-03-11. Review status: criteria provided, single submitter. Criteria: GeneDx Variant Classification (06012015). Collection method: clinical testing. Allele origin: germline. Affected: yes.
Comment: This variant is considered likely benign or benign based on one or more of the following criteria: it is a conservative change, it occurs at a poorly conserved position in the protein, it is predicted to be benign by multiple in silico algorithms, and/or has population frequency not consistent with disease.

Eurofins Ntd Llc (ga)
Classification: Benign. Last evaluated: 2016-01-04. Review status: criteria provided, single submitter. Criteria: EGL Classification Definitions 2015. Collection method: clinical testing. Allele origin: germline. Observed: 5 variant alleles, 5 heterozygotes.

Breakthrough Genomics
Classification: Benign. Review status: criteria provided, single submitter. Criteria: ACMG Guidelines, 2015. Collection method: not provided. Allele origin: germline. Inheritance: Autosomal recessive inheritance. Affected: yes.

PreventionGenetics, part of Exact Sciences
Classification: Benign. Review status: criteria provided, single submitter. Criteria: ACMG Guidelines, 2015. Collection method: clinical testing. Allele origin: germline.

Genetic Services Laboratory, University of Chicago
Classification: Likely benign for AllHighlyPenetrant. Review status: no assertion criteria provided. Collection method: clinical testing. Allele origin: germline. Inheritance: Autosomal recessive inheritance. Not counted in ClinVar's aggregate classification.
Comment: Likely benign based on allele frequency in 1000 Genomes Project or ESP global frequency and its presence in a patient with a rare or unrelated disease phenotype. NOT Sanger confirmed.

NM_000334.4(SCN4A):c.1167T>C (p.Tyr389=)

Gene: SCN4A (sodium voltage-gated channel alpha subunit 4; minus strand). Cytogenetic location: 17q23.3.
Variant type: single nucleotide variant.
Coding change: c.1167T>C on transcript NM_000334.4 (MANE Select); coding-DNA position 1167, T replaced by C.
Protein change: p.Tyr389=; no amino-acid change (tyrosine 389 retained).
Molecular consequence: synonymous variant.
Genome position (GRCh38, 1-based): chr17:63,966,177, A>G on the plus strand (T>C on the coding strand, the complement: SCN4A is on the minus strand). VCF-style: chr17-63966177-A-G. GRCh37 (hg19) VCF-style: chr17-62043537-A-G.
Other names: p.Tyr389=.
Identifiers: ClinVar variation 130227 (VCV000130227.29), dbSNP rs16947296, ClinGen allele CA155065.
Genomic context (GRCh38, chr17:63,966,177, plus strand): 5'-CTCCCAATAGTCCTGTGTCATGAGGCGGAAGAGAGCCAAGAAGGCCCAGCTGAAGGTGTC[A>G]TAGCTGGTGTAGCCATAGTTGGGGTTCCGCCCGGTCTTGATGCACTCATAACCCTCAGGG-3'
Protein context (NP_000325.4, residues 379-399): GRNPNYGYTS[Tyr389=]DTFSWAFLAL